The following is an entry in ClinVar:

ClinVar aggregate classification (germline): Pathogenic (1 of 4 stars; one submission).

gnomAD v4.1: 2 of 1,614,110 alleles (0.00012%); highest among the groups gnomAD compares: Non-Finnish European, 0.00017%; no homozygotes.

Submission:

Labcorp Genetics (formerly Invitae), Labcorp
Classification: Pathogenic. Last evaluated: 2025-03-31. Review status: criteria provided, single submitter. Criteria: Invitae Variant Classification Sherloc (09022015). Collection method: clinical testing. Allele origin: germline.
Comment: This sequence change creates a premature translational stop signal (p.Lys239*) in the LZTR1 gene. It is expected to result in an absent or disrupted protein product. Loss-of-function variants in LZTR1 are known to be pathogenic (PMID: 24362817, 25335493, 25480913, 25795793, 29469822, 30368668, 30442762, 30442766, 30481304, 30859559). This variant is not present in population databases (gnomAD no frequency). This variant has not been reported in the literature in individuals affected with LZTR1-related conditions. For these reasons, this variant has been classified as Pathogenic.

Literature cited by the submitters: PubMed 24362817; PubMed 25335493; PubMed 25480913; PubMed 25795793; PubMed 29469822; PubMed 30368668; PubMed 30442762; PubMed 30442766; PubMed 30481304; PubMed 30859559.

NM_006767.4(LZTR1):c.715A>T (p.Lys239Ter)

Gene: LZTR1 (leucine zipper like post translational regulator 1; plus strand). Cytogenetic location: 22q11.21.
Variant type: single nucleotide variant.
Coding change: c.715A>T on transcript NM_006767.4 (MANE Select); coding-DNA position 715, A replaced by T.
Protein change: p.Lys239Ter; replaces lysine 239 with a stop codon.
Molecular consequence: nonsense.
Genome position (GRCh38, 1-based): chr22:20,990,449, A>T. VCF-style: chr22-20990449-A-T. GRCh37 (hg19) VCF-style: chr22-21344738-A-T.
Other names: short protein forms K239*.
Identifiers: ClinVar variation 4715976 (VCV004715976.1).